The following is an entry in ClinVar:

NM_004366.6(CLCN2):c.1973C>T (p.Ser658Phe)

Gene: CLCN2 (chloride voltage-gated channel 2; minus strand). Cytogenetic location: 3q27.1.
Variant type: single nucleotide variant.
Coding change: c.1973C>T on transcript NM_004366.6 (MANE Select); coding-DNA position 1973, C replaced by T.
Protein change: p.Ser658Phe; replaces serine 658 with phenylalanine.
Molecular consequence: missense variant.
Genome position (GRCh38, 1-based): chr3:184,353,305, G>A on the plus strand (C>T on the coding strand, the complement: CLCN2 is on the minus strand). VCF-style: chr3-184353305-G-A. GRCh37 (hg19) VCF-style: chr3-184071093-G-A.
Other names: c.1922C>T, p.Ser641Phe (NM_001171087.3); c.1841C>T, p.Ser614Phe (NM_001171088.3); c.1973C>T, p.Ser658Phe (NM_001171089.3); c.1973C>T (NM_004366.4); short protein forms S658F, S641F, S614F.
Identifiers: ClinVar variation 2050778 (VCV002050778.6), dbSNP rs778697594, ClinGen allele CA2733925.

ClinVar aggregate classification (germline): Uncertain significance. Review status: criteria provided, multiple submitters, no conflicts (2 of 4 stars). 3 submissions from 3 submitters: Uncertain significance (3). Last evaluated 2025-07-16.

Conditions:
Epilepsy, idiopathic generalized, susceptibility to, 11 (EIG11). Identifiers: Orphanet 307, MedGen C2750893, MONDO:0011875, OMIM 607628.
Leukoencephalopathy with mild cerebellar ataxia and white matter edema (LKPAT). Also called: Leukoencephalopathy with ataxia; CLCN2-Related Leukoencephalopathy; Leukoencephalopathy with white matter edema; Brain white matter edema. Identifiers: Orphanet 363540, MedGen C4554120, MONDO:0014292, OMIM 615651. Disease mechanism: loss of function.
Familial hyperaldosteronism type II. Also called: FH II. Identifiers: Orphanet 404, MedGen C1854107, MONDO:0011576, OMIM 605635.
Inborn genetic diseases. Identifiers: MedGen C0950123, MeSH D030342.

Allele frequency attached by ClinVar (database versions not stated): gnomAD 0.00001; gnomAD exomes 0.00001; TOPMed 0.00001; ExAC 0.00002.

Submissions (3):

Labcorp Genetics (formerly Invitae), Labcorp
Classification: Uncertain significance. Last evaluated: 2025-07-16. Review status: criteria provided, single submitter. Criteria: Invitae Variant Classification Sherloc (09022015). Collection method: clinical testing. Allele origin: germline.
Comment: This sequence change replaces serine, which is neutral and polar, with phenylalanine, which is neutral and non-polar, at codon 658 of the CLCN2 protein (p.Ser658Phe). This variant is present in population databases (rs778697594, gnomAD 0.009%). This variant has not been reported in the literature in individuals affected with CLCN2-related conditions. ClinVar contains an entry for this variant (Variation ID: 2050778). Invitae Evidence Modeling of protein sequence and biophysical properties (such as structural, functional, and spatial information, amino acid conservation, physicochemical variation, residue mobility, and thermodynamic stability) indicates that this missense variant is not expected to disrupt CLCN2 protein function with a negative predictive value of 80%. In summary, the available evidence is currently insufficient to determine the role of this variant in disease. Therefore, it has been classified as a Variant of Uncertain Significance.

Ambry Genetics
Classification: Uncertain significance for Inborn genetic diseases. Last evaluated: 2025-06-24. Review status: criteria provided, single submitter. Criteria: Ambry Variant Classification Scheme 2023. Collection method: clinical testing. Allele origin: germline.

Fulgent Genetics
Classification: Uncertain significance for Familial hyperaldosteronism type II; Epilepsy, idiopathic generalized, susceptibility to, 11; Leukoencephalopathy with mild cerebellar ataxia and white matter edema. Last evaluated: 2024-03-12. Review status: criteria provided, single submitter. Criteria: ACMG Guidelines, 2015. Collection method: clinical testing. Allele origin: germline.